The following is an entry in ClinVar:

NM_001378615.1(CC2D2A):c.3182+3G>A

Genes: CC2D2A (coiled-coil and C2 domain containing 2A; plus strand), FBXL5 (F-box and leucine rich repeat protein 5; minus strand). Cytogenetic location: 4p15.32.
Variant type: single nucleotide variant.
Coding change: c.3182+3G>A on transcript NM_001378615.1 (MANE Select); 3 bases into the intron after coding-DNA position 3182, G replaced by A.
Molecular consequence: intron variant.
Genome position (GRCh38, 1-based): chr4:15,563,525, G>A. VCF-style: chr4-15563525-G-A. GRCh37 (hg19) VCF-style: chr4-15565148-G-A.
Other names: c.3182+3G>A (NM_001080522.2); c.3035+3G>A (NM_001378617.1).
Identifiers: ClinVar variation 4998897 (VCV004998897.1).

ClinVar aggregate classification (germline): Likely benign (1 of 4 stars; one submission).

Conditions:
CC2D2A-related disorder. Also called: CC2D2A-related condition; CC2D2A-related disorders. Identifiers: MedGen CN239313.

gnomAD v4.1: 4 of 1,610,794 alleles (0.00025%); highest among the groups gnomAD compares: Non-Finnish European, 0.00025%; no homozygotes.

Submission:

PreventionGenetics, part of Exact Sciences
Classification: Likely benign for CC2D2A-related condition. Last evaluated: 2025-07-08. Review status: criteria provided, single submitter. Criteria: ACMG Guidelines, 2015. Collection method: clinical testing. Allele origin: germline.
Comment: This variant is classified as likely benign based on ACMG/AMP sequence variant interpretation guidelines (Richards et al. 2015 PMID: 25741868, with internal and published modifications).